The following is an entry in ClinVar:

NM_000245.4(MET):c.812C>G (p.Ala271Gly)

Gene: MET (MET proto-oncogene, receptor tyrosine kinase; plus strand). Cytogenetic location: 7q31.2.
Variant type: single nucleotide variant.
Coding change: c.812C>G on transcript NM_000245.4 (MANE Select); coding-DNA position 812, C replaced by G.
Protein change: p.Ala271Gly; replaces alanine 271 with glycine.
Molecular consequence: missense variant. On other transcripts: intron variant (1).
Genome position (GRCh38, 1-based): chr7:116,699,896, C>G. VCF-style: chr7-116699896-C-G. GRCh37 (hg19) VCF-style: chr7-116339950-C-G.
Other names: c.812C>G, p.Ala271Gly (NM_001127500.3, NM_001324401.3); c.-91+27319C>G (NM_001324402.2); short protein forms A271G.
Identifiers: ClinVar variation 5002925 (VCV005002925.1).

ClinVar aggregate classification (germline): Uncertain significance (1 of 4 stars; one submission).

Conditions:
Osteofibrous dysplasia (OSFD). Also called: Tibia, bowing of, with pseudarthrosis and pectus excavatum. Identifiers: Orphanet 488265, MedGen C4085248, MONDO:0011806, OMIM 607278.

Submission:

OLLIN Analises Genomicas, OLLIN
Classification: Uncertain significance for Osteofibrous dysplasia. Last evaluated: 2026-08-06. Review status: criteria provided, single submitter. Criteria: ACMG Guidelines 2015 PMID 25741868. Collection method: clinical testing. Allele origin: germline. Inheritance: Autosomal dominant inheritance.
Comment: This missense variant, located in exon 2 (of 21), is absent from gnomAD and has not been identified in the literature. However, it has been reported in ClinVar (accession VCV001762120.3). In silico analysis predicts that this variant has a tolerated effect. According to the currently available evidence, this variant has been classified as uncertain significance (PM2_P, BP4).